The following is an entry in ClinVar:

ClinVar aggregate classification (germline): Benign (1 of 4 stars; one submission).

Allele frequency attached by ClinVar (database versions not stated): gnomAD exomes 0.66941; gnomAD 0.68706; TOPMed 0.69606; 1000 Genomes Project 30x 0.79544; 1000 Genomes Project 0.80052.
gnomAD v4.1: 527,769 of 783,806 alleles (67%); highest among the groups gnomAD compares: East Asian, 94%; 182,897 homozygotes.

Submission:

Unidad de Genómica Garrahan, Hospital de Pediatría Garrahan
Classification: Benign. Last evaluated: 2023-11-12. Review status: criteria provided, single submitter. Criteria: ACMG Guidelines, 2015. Collection method: clinical testing. Allele origin: germline. Affected: no. Observed: 47 variant alleles.
Comment: This variant is classified as Benign based on local population frequency. This variant was detected in 49% of patients studied by a panel of primary immunodeficiencies. Number of patients: 47. Only high quality variants are reported.

NM_012275.3(IL36RN):c.115+118G>A

Gene: IL36RN (interleukin 36 receptor antagonist; plus strand). Cytogenetic location: 2q14.1.
Variant type: single nucleotide variant.
Coding change: c.115+118G>A on transcript NM_012275.3 (MANE Select); 118 bases into the intron after coding-DNA position 115, G replaced by A.
Molecular consequence: intron variant.
Genome position (GRCh38, 1-based): chr2:113,061,055, G>A. VCF-style: chr2-113061055-G-A. GRCh37 (hg19) VCF-style: chr2-113818632-G-A.
Other names: c.115+118G>A (NM_173170.1).
Identifiers: ClinVar variation 2628184 (VCV002628184.2), dbSNP rs2251872, ClinGen allele CA15162186.
Genomic context (GRCh38, chr2:113,061,055, plus strand): 5'-GCCTGAAGAGGGCTTAGAATAGTCATACAGATTAGCATAGGCCTACAGAGCCCAGGCATT[G>A]GGGCAGCACAAACCAGGCTCTAAGCAAAGGCAAATAAAATACTACACCTCTCAGCAAAGT-3'